The following is an entry in ClinVar:

ClinVar aggregate classification (germline): Likely benign (1 of 4 stars; one submission).

Submission:

GeneDx
Classification: Likely benign. Last evaluated: 2017-02-25. Review status: criteria provided, single submitter. Criteria: GeneDx Variant Classification (06012015). Collection method: clinical testing. Allele origin: germline. Affected: yes.
Comment: This variant is considered likely benign or benign based on one or more of the following criteria: it is a conservative change, it occurs at a poorly conserved position in the protein, it is predicted to be benign by multiple in silico algorithms, and/or has population frequency not consistent with disease.

NM_001165963.4(SCN1A):c.2973T>C (p.Leu991=)

Gene: SCN1A (sodium voltage-gated channel alpha subunit 1; minus strand). Cytogenetic location: 2q24.3.
Variant type: single nucleotide variant.
Coding change: c.2973T>C on transcript NM_001165963.4 (MANE Select); coding-DNA position 2973, T replaced by C.
Protein change: p.Leu991=; no amino-acid change (leucine 991 retained).
Molecular consequence: synonymous variant. On other transcripts: non-coding transcript variant (1).
Genome position (GRCh38, 1-based): chr2:166,036,504, A>G on the plus strand (T>C on the coding strand, the complement: SCN1A is on the minus strand). VCF-style: chr2-166036504-A-G. GRCh37 (hg19) VCF-style: chr2-166893014-A-G.
Other names: c.2889T>C, p.Leu963= (NM_001165964.3, NM_001353957.2, NM_001353958.2); c.2973T>C, p.Leu991= (NM_001202435.3, NM_001353948.2); c.2940T>C, p.Leu980= (NM_001353949.2, NM_001353950.2, NM_001353951.2 and 2 more transcripts); c.2937T>C, p.Leu979= (NM_001353954.2, NM_001353955.2); c.2886T>C, p.Leu962= (NM_001353960.2); c.531T>C, p.Leu177= (NM_001353961.2).
Identifiers: ClinVar variation 516614 (VCV000516614.1), dbSNP rs1553540480, ClinGen allele CA429901019.